The following is an entry in ClinVar:

NM_152296.5(ATP1A3):c.2582T>C (p.Val861Ala)

Gene: ATP1A3 (ATPase Na+/K+ transporting subunit alpha 3; minus strand). Cytogenetic location: 19q13.2.
Variant type: single nucleotide variant.
Coding change: c.2582T>C on transcript NM_152296.5 (MANE Select); coding-DNA position 2582, T replaced by C.
Protein change: p.Val861Ala; replaces valine 861 with alanine.
Molecular consequence: missense variant.
Genome position (GRCh38, 1-based): chr19:41,969,541, A>G on the plus strand (T>C on the coding strand, the complement: ATP1A3 is on the minus strand). VCF-style: chr19-41969541-A-G. GRCh37 (hg19) VCF-style: chr19-42473693-A-G.
Other names: c.2615T>C, p.Val872Ala (NM_001256213.2); c.2621T>C, p.Val874Ala (NM_001256214.2); short protein forms V861A, V872A, V874A.
Identifiers: ClinVar variation 1807139 (VCV001807139.4), dbSNP rs2514030066, ClinGen allele CA406038198.

ClinVar aggregate classification (germline): Uncertain significance. Review status: criteria provided, multiple submitters, no conflicts (2 of 4 stars). 2 submissions from 2 submitters: Uncertain significance (2). Last evaluated 2025-08-31.

Conditions:
Dystonia 12 (DYT12). Also called: DYT-ATP1A3; Rapid-Onset Dystonia-Parkinsonism (RDP). Identifiers: Orphanet 71517, MedGen C1868681, MONDO:0007496, OMIM 128235.

Submissions (2):

Labcorp Genetics (formerly Invitae), Labcorp
Classification: Uncertain significance for Dystonia 12. Last evaluated: 2025-08-31. Review status: criteria provided, single submitter. Criteria: Invitae Variant Classification Sherloc (09022015). Collection method: clinical testing. Allele origin: germline.
Comment: This sequence change replaces valine, which is neutral and non-polar, with alanine, which is neutral and non-polar, at codon 861 of the ATP1A3 protein (p.Val861Ala). This variant is not present in population databases (gnomAD no frequency). This variant has not been reported in the literature in individuals affected with ATP1A3-related conditions. ClinVar contains an entry for this variant (Variation ID: 1807139). Invitae Evidence Modeling of protein sequence and biophysical properties (such as structural, functional, and spatial information, amino acid conservation, physicochemical variation, residue mobility, and thermodynamic stability) indicates that this missense variant is expected to disrupt ATP1A3 protein function with a positive predictive value of 95%. In summary, the available evidence is currently insufficient to determine the role of this variant in disease. Therefore, it has been classified as a Variant of Uncertain Significance.

Athena Diagnostics
Classification: Uncertain significance. Last evaluated: 2021-10-04. Review status: criteria provided, single submitter. Criteria: Athena Diagnostics Criteria. Collection method: clinical testing. Allele origin: unknown.